The following is an entry in ClinVar:

NM_007254.4(PNKP):c.1295C>T (p.Ala432Val)

Gene: PNKP (polynucleotide kinase 3'-phosphatase; minus strand). Cytogenetic location: 19q13.33.
Variant type: single nucleotide variant.
Coding change: c.1295C>T on transcript NM_007254.4 (MANE Select); coding-DNA position 1295, C replaced by T.
Protein change: p.Ala432Val; replaces alanine 432 with valine.
Molecular consequence: missense variant.
Genome position (GRCh38, 1-based): chr19:49,861,775, G>A on the plus strand (C>T on the coding strand, the complement: PNKP is on the minus strand). VCF-style: chr19-49861775-G-A. GRCh37 (hg19) VCF-style: chr19-50365032-G-A.
Other names: short protein forms A432V.
Identifiers: ClinVar variation 1378756 (VCV001378756.3), dbSNP rs1568658987, ClinGen allele CA406933352.

ClinVar aggregate classification (germline): Uncertain significance (1 of 4 stars; one submission).

Conditions:
Developmental and epileptic encephalopathy, 12 (DEE12). Identifiers: MedGen C3150988, MONDO:0013389, OMIM 613722.

Allele frequency attached by ClinVar (database versions not stated): gnomAD exomes 0.00001.

Submission:

Labcorp Genetics (formerly Invitae), Labcorp
Classification: Uncertain significance for Developmental and epileptic encephalopathy, 12. Last evaluated: 2022-07-19. Review status: criteria provided, single submitter. Criteria: Invitae Variant Classification Sherloc (09022015). Collection method: clinical testing. Allele origin: germline.
Comment: This sequence change replaces alanine, which is neutral and non-polar, with valine, which is neutral and non-polar, at codon 432 of the PNKP protein (p.Ala432Val). The frequency data for this variant in the population databases is considered unreliable, as metrics indicate poor data quality at this position in the gnomAD database. This variant has not been reported in the literature in individuals affected with PNKP-related conditions. ClinVar contains an entry for this variant (Variation ID: 1378756). Algorithms developed to predict the effect of missense changes on protein structure and function are either unavailable or do not agree on the potential impact of this missense change (SIFT: "Tolerated"; PolyPhen-2: "Possibly Damaging"; Align-GVGD: "Class C0"). In summary, the available evidence is currently insufficient to determine the role of this variant in disease. Therefore, it has been classified as a Variant of Uncertain Significance.